The following is an entry in ClinVar:

NM_004369.4(COL6A3):c.2864G>A (p.Arg955His)

Gene: COL6A3 (collagen type VI alpha 3 chain; minus strand). Cytogenetic location: 2q37.3.
Variant type: single nucleotide variant.
Coding change: c.2864G>A on transcript NM_004369.4 (MANE Select); coding-DNA position 2864, G replaced by A.
Protein change: p.Arg955His; replaces arginine 955 with histidine.
Molecular consequence: missense variant.
Genome position (GRCh38, 1-based): chr2:237,376,978, C>T on the plus strand (G>A on the coding strand, the complement: COL6A3 is on the minus strand). VCF-style: chr2-237376978-C-T. GRCh37 (hg19) VCF-style: chr2-238285621-C-T.
Other names: c.1643G>A, p.Arg548His (NM_057164.5); c.2246G>A, p.Arg749His (NM_057165.5, NM_057167.4); c.1043G>A, p.Arg348His (NM_057166.5); short protein forms R955H, R348H, R548H, R749H.
Identifiers: ClinVar variation 283020 (VCV000283020.22), dbSNP rs112172548, ClinGen allele CA2189307.
Genomic context (GRCh38, chr2:237,376,978, plus strand): 5'-GCTTGGAAGATGAAAGGCACAACCCCACTCTGCTTCAGGTTACTTGCTGGCCCATCCACA[C>T]GGTCAGATGACCTTCCTGCGACCAGCAGCACCAGGAACTGAAGCACTCCATCCTCGATCC-3'
Protein context (NP_004360.2, residues 945-965): VLLVAGRSSD[Arg955His]VDGPASNLKQ

ClinVar aggregate classification (germline): Conflicting classifications of pathogenicity. Review status: criteria provided, conflicting classifications (1 of 4 stars). 7 submissions from 7 submitters: Uncertain significance (6); Likely benign (1). Last evaluated 2026-07-01.

Conditions:
Collagen 6-related myopathy. Identifiers: MedGen CN117976, MONDO:0100225.
Bethlem myopathy 1A. Also called: Bethlem Muscular Dystrophy; MYOPATHY, BENIGN CONGENITAL, WITH CONTRACTURES; Bethlem myopathy 1. Identifiers: Orphanet 610, MedGen CN029274, MONDO:0024530, OMIM 158810.

Allele frequency attached by ClinVar (database versions not stated): TOPMed 0.00005; gnomAD 0.00007; gnomAD exomes 0.00007; ESP Exome Variant Server 0.00008; ExAC 0.00009.
gnomAD v4.1: 118 of 1,614,122 alleles (0.0073%); highest among the groups gnomAD compares: Non-Finnish European, 0.0082%; no homozygotes.

Submissions (7):

CeGaT Center for Human Genetics Tuebingen
Classification: Uncertain significance. Last evaluated: 2026-07-01. Review status: criteria provided, single submitter. Criteria: CeGaT Center For Human Genetics Tuebingen Variant Classification Criteria Version 2. Collection method: clinical testing. Allele origin: germline. Affected: yes. Observed: 1 variant allele.
Comment: COL6A3: PM2, BP4

GeneDx
Classification: Uncertain significance. Last evaluated: 2025-10-16. Review status: criteria provided, single submitter. Criteria: GeneDx Variant Classification Process June 2021. Collection method: clinical testing. Allele origin: germline. Affected: yes.
Comment: Observed in a patient reported to have intermediate collagen VI-related myopathy who harbored a second variant in the COL6A3 gene, however, it is unclear if comprehensive genetic testing was completed (PMID: 24271325); In silico analysis, which includes protein predictors and evolutionary conservation, supports that this variant does not alter protein structure/function; This variant is associated with the following publications: (PMID: 24271325)

Labcorp Genetics (formerly Invitae), Labcorp
Classification: Likely benign for Bethlem myopathy 1A. Last evaluated: 2025-08-27. Review status: criteria provided, single submitter. Criteria: Invitae Variant Classification Sherloc (09022015). Collection method: clinical testing. Allele origin: germline.

Women's Health and Genetics/Laboratory Corporation of America, LabCorp
Classification: Uncertain significance. Last evaluated: 2024-07-15. Review status: criteria provided, single submitter. Criteria: LabCorp Variant Classification Summary - May 2015. Collection method: clinical testing. Allele origin: germline.
Comment: Variant summary: COL6A3 c.2864G>A (p.Arg955His) results in a non-conservative amino acid change located in the von Willebrand factor, type A domain (IPR002035) of the encoded protein sequence. Four of five in-silico tools predict a benign effect of the variant on protein function. The variant allele was found at a frequency of 7.2e-05 in 251458 control chromosomes, predominantly at a frequency of 0.00011 within the Non-Finnish European subpopulation in the gnomAD database. This frequency is not significantly higher than estimated for a pathogenic variant in COL6A3 causing Ullrich Congenital Muscular Dystrophy 1, allowing no conclusion about variant significance. c.2864G>A has been reported in the literature in one individual affected with collagen VI-related myopathy, without strong evidence for causality (Foley_2013). These report(s) do not provide unequivocal conclusions about association of the variant with Ullrich Congenital Muscular Dystrophy 1. To our knowledge, no experimental evidence demonstrating an impact on protein function has been reported. The following publication has been ascertained in the context of this evaluation (PMID: 24271325). ClinVar contains an entry for this variant (Variation ID: 283020). Based on the evidence outlined above, the variant was classified as uncertain significance.

Revvity Omics, Revvity
Classification: Uncertain significance. Last evaluated: 2022-04-20. Review status: criteria provided, single submitter. Criteria: ACMG Guidelines, 2015. Collection method: clinical testing. Allele origin: germline.

Victorian Clinical Genetics Services, Murdoch Childrens Research Institute
Classification: Uncertain significance for Collagen 6-related myopathy. Last evaluated: 2020-10-19. Review status: criteria provided, single submitter. Criteria: ACMG Guidelines, 2015. Collection method: clinical testing. Allele origin: germline.
Comment: Based on the classification scheme VCGS_Germline_v1.3.3, this variant is classified as VUS - 3C. Following criteria are met: 0103 - Dominant negative and loss of function are known mechanisms of disease in this gene and are associated with Dystonia 27 (MIM# 616411). Missense variants affecting a glycine residue within a Gly-X-Y triple helical repeat have a dominant negative mechanism, while other missense and protein-truncating variants result in loss of function (OMIM, GeneReviews). (I) 0108 - This gene is associated with both recessive and dominant disease. All dominant forms of disease are caused by variants with a dominant negative mechanism, while recessive disease is caused by loss of function variants (PMID: 20976770; PMID: 15563506). (I) 0200 - Variant is predicted to result in a missense amino acid change from arginine to histidine. (I) 0251 - This variant is heterozygous. (I) 0304 - Variant is present in gnomAD (v2) <0.01 for a recessive condition (22 heterozygotes, 0 homozygotes). (SP) 0503 - Missense variant consistently predicted to be tolerated by multiple in silico tools or not conserved in placental mammals with a minor amino acid change. (SB) 0600 - Variant is located in the annotated vWFA domain (PDB, NCBI). (I) 0710 - Another missense variant comparable to the one identified in this case has inconclusive previous evidence for pathogenicity. The p.Arg955Cys variant has been reported as a VUS in ClinVar, and in a patient with limb girdle muscular dystrophy (PMID: 30564623). (I) 0808 - Previous reports of pathogenicity for this variant are conflicting. This variant has been reported as a VUS (ClinVar) and in a patient with intermediate collagen VI myopathy (PMID: 24271325). (I) 0905 - No published segregation evidence has been identified for this variant. (I) 1007 - No published functional evidence has been identified for this variant. (I) 1208 - Inheritance information for this variant is not currently available in this individual. (I) Legend: (SP) - Supporting pathogenic, (I) - Information, (SB) - Supporting benign

Eurofins Ntd Llc (ga)
Classification: Uncertain significance. Last evaluated: 2016-12-19. Review status: criteria provided, single submitter. Criteria: EGL Classification Definitions 2015. Collection method: clinical testing. Allele origin: germline. Observed: 5 variant alleles, 5 heterozygotes.

Literature cited by the submitters: PubMed 24271325 (cited by 3 submitters); PubMed 15563506 (cited by Victorian Clinical Genetics Services, Murdoch Childrens Research Institute); PubMed 20976770 (cited by Victorian Clinical Genetics Services, Murdoch Childrens Research Institute); PubMed 30564623 (cited by Victorian Clinical Genetics Services, Murdoch Childrens Research Institute).